The following is an entry in ClinVar:

ClinVar aggregate classification (germline): Uncertain significance (1 of 4 stars; one submission).

Conditions:
Charcot-Marie-Tooth disease type 2. Also called: Charcot-Marie-Tooth type 2. Identifiers: Orphanet 64746, MedGen C0270914, MONDO:0018993.

Allele frequency attached by ClinVar (database versions not stated): gnomAD 0.00001; TOPMed 0.00002.
gnomAD v4.1: 12 of 1,613,994 alleles (0.00074%); highest among the groups gnomAD compares: South Asian, 0.0033%; no homozygotes.

Submission:

Labcorp Genetics (formerly Invitae), Labcorp
Classification: Uncertain significance for Charcot-Marie-Tooth disease type 2. Last evaluated: 2023-07-18. Review status: criteria provided, single submitter. Criteria: Invitae Variant Classification Sherloc (09022015). Collection method: clinical testing. Allele origin: germline.
Comment: In summary, the available evidence is currently insufficient to determine the role of this variant in disease. Therefore, it has been classified as a Variant of Uncertain Significance. Advanced modeling of protein sequence and biophysical properties (such as structural, functional, and spatial information, amino acid conservation, physicochemical variation, residue mobility, and thermodynamic stability) has been performed at Invitae for this missense variant, however the output from this modeling did not meet the statistical confidence thresholds required to predict the impact of this variant on AARS protein function. ClinVar contains an entry for this variant (Variation ID: 847989). This variant has not been reported in the literature in individuals affected with AARS-related conditions. This variant is present in population databases (no rsID available, gnomAD 0.003%). This sequence change replaces arginine, which is basic and polar, with glutamine, which is neutral and polar, at codon 333 of the AARS protein (p.Arg333Gln).

NM_001605.3(AARS1):c.998G>A (p.Arg333Gln)

Gene: AARS1 (alanyl-tRNA synthetase 1; minus strand). Cytogenetic location: 16q22.1.
Variant type: single nucleotide variant.
Coding change: c.998G>A on transcript NM_001605.3 (MANE Select); coding-DNA position 998, G replaced by A.
Protein change: p.Arg333Gln; replaces arginine 333 with glutamine.
Molecular consequence: missense variant.
Genome position (GRCh38, 1-based): chr16:70,268,344, C>T on the plus strand (G>A on the coding strand, the complement: AARS1 is on the minus strand). VCF-style: chr16-70268344-C-T. GRCh37 (hg19) VCF-style: chr16-70302247-C-T.
Other names: short protein forms R333Q.
Identifiers: ClinVar variation 847989 (VCV000847989.7), dbSNP rs778511459, ClinGen allele CA283438588.